The following is an entry in ClinVar:

ClinVar aggregate classification (germline): Uncertain significance (1 of 4 stars; one submission).

Allele frequency attached by ClinVar (database versions not stated): TOPMed 0.00001; 1000 Genomes Project 30x 0.00031; ExAC 0.00001; 1000 Genomes Project 0.00020; gnomAD 0.00001.
gnomAD v4.1: 14 of 1,614,110 alleles (0.00087%); highest among the groups gnomAD compares: Non-Finnish European, 0.0012%; no homozygotes.

Submission:

Labcorp Genetics (formerly Invitae), Labcorp
Classification: Uncertain significance. Last evaluated: 2025-10-21. Review status: criteria provided, single submitter. Criteria: Invitae Variant Classification Sherloc (09022015). Collection method: clinical testing. Allele origin: germline.
Comment: This sequence change replaces isoleucine, which is neutral and non-polar, with phenylalanine, which is neutral and non-polar, at codon 2116 of the CACNA1D protein (p.Ile2116Phe). This variant is present in population databases (rs200161467, gnomAD 0.003%). This variant has not been reported in the literature in individuals affected with CACNA1D-related conditions. ClinVar contains an entry for this variant (Variation ID: 2897312). An algorithm developed to predict the effect of missense changes on protein structure and function (PolyPhen-2) suggests that this variant is likely to be disruptive. In summary, the available evidence is currently insufficient to determine the role of this variant in disease. Therefore, it has been classified as a Variant of Uncertain Significance.

NM_001128840.3(CACNA1D):c.6286A>T (p.Ile2096Phe)

Gene: CACNA1D (calcium voltage-gated channel subunit alpha1 D; plus strand). Cytogenetic location: 3p21.1.
Variant type: single nucleotide variant.
Coding change: c.6286A>T on transcript NM_001128840.3 (MANE Select); coding-DNA position 6286, A replaced by T.
Protein change: p.Ile2096Phe; replaces isoleucine 2096 with phenylalanine.
Molecular consequence: missense variant.
Genome position (GRCh38, 1-based): chr3:53,811,206, A>T. VCF-style: chr3-53811206-A-T. GRCh37 (hg19) VCF-style: chr3-53845233-A-T.
Other names: c.6346A>T, p.Ile2116Phe (NM_000720.4); c.6214A>T, p.Ile2072Phe (NM_001128839.3); short protein forms I2116F, I2096F, I2072F.
Identifiers: ClinVar variation 2897312 (VCV002897312.3), dbSNP rs200161467, ClinGen allele CA2455416.